The following is an entry in ClinVar:

ClinVar aggregate classification (germline): Benign/Likely benign. Review status: criteria provided, multiple submitters, no conflicts (2 of 4 stars). 4 submissions from 4 submitters: Benign (1); Likely benign (3). Last evaluated 2024-11-07.

Conditions:
Papillary renal cell carcinoma type 1 (RCCP1). Also called: Renal adenocarcinoma; Renal cell carcinoma 1; Renal cell carcinoma, somatic; RENAL CELL CARCINOMA, PAPILLARY, 1, SOMATIC. Identifiers: Orphanet 47044, MedGen C1336839, OMIM 605074, HP:0011797.
Renal cell carcinoma. Identifiers: Orphanet 217071, MedGen C0007134, MeSH D002292, MONDO:0005086, HP:0005584.
Hereditary cancer-predisposing syndrome. Also called: Neoplastic Syndromes, Hereditary; Tumor predisposition; Hereditary neoplastic syndrome; Hereditary Cancer Syndrome. Identifiers: Orphanet 140162, MedGen C0027672, MeSH D009386, MONDO:0015356.

Allele frequency attached by ClinVar (database versions not stated): gnomAD exomes below 0.00001.
gnomAD v4.1: 3 of 1,613,538 alleles (0.00019%); highest among the groups gnomAD compares: Non-Finnish European, 0.00025%; no homozygotes.

Submissions (4):

Myriad Genetics, Inc.
Classification: Benign for Papillary renal cell carcinoma type 1. Last evaluated: 2024-11-07. Review status: criteria provided, single submitter. Criteria: Myriad Autosomal Dominant, Autosomal Recessive and X-Linked Classification Criteria (2023). Collection method: clinical testing. Allele origin: unknown.
Comment: This variant is considered benign. This variant is a silent/synonymous amino acid change and it is not expected to impact splicing.

Labcorp Genetics (formerly Invitae), Labcorp
Classification: Likely benign for Renal cell carcinoma. Last evaluated: 2024-07-23. Review status: criteria provided, single submitter. Criteria: Invitae Variant Classification Sherloc (09022015). Collection method: clinical testing. Allele origin: germline.

GeneDx
Classification: Likely benign. Last evaluated: 2020-08-03. Review status: criteria provided, single submitter. Criteria: GeneDx Variant Classification Process June 2021. Collection method: clinical testing. Allele origin: germline. Affected: yes.

Ambry Genetics
Classification: Likely benign for Hereditary cancer-predisposing syndrome. Last evaluated: 2020-01-14. Review status: criteria provided, single submitter. Criteria: Ambry Variant Classification Scheme 2023. Collection method: clinical testing. Allele origin: germline.

NM_000245.4(MET):c.1686G>C (p.Leu562=)

Gene: MET (MET proto-oncogene, receptor tyrosine kinase; plus strand). Cytogenetic location: 7q31.2.
Variant type: single nucleotide variant.
Coding change: c.1686G>C on transcript NM_000245.4 (MANE Select); coding-DNA position 1686, G replaced by C.
Protein change: p.Leu562=; no amino-acid change (leucine 562 retained).
Molecular consequence: synonymous variant.
Genome position (GRCh38, 1-based): chr7:116,741,010, G>C. VCF-style: chr7-116741010-G-C. GRCh37 (hg19) VCF-style: chr7-116381064-G-C.
Other names: c.1686G>C, p.Leu562= (NM_001127500.3, NM_001324401.3); c.396G>C, p.Leu132= (NM_001324402.2).
Identifiers: ClinVar variation 1211999 (VCV001211999.14), dbSNP rs2116837926, ClinGen allele CA457215665.